The following is an entry in ClinVar:

NM_001040664.3(PPAN-P2RY11):c.2074G>A (p.Val692Met)

Genes: P2RY11 (purinergic receptor P2Y11; plus strand), PPAN-P2RY11 (PPAN-P2RY11 readthrough; plus strand). Cytogenetic location: 19p13.2.
Variant type: single nucleotide variant.
Coding change: c.2074G>A on transcript NM_001040664.3; coding-DNA position 2074, G replaced by A.
Protein change: p.Val692Met; replaces valine 692 with methionine.
Molecular consequence: missense variant. On other transcripts: 3 prime UTR variant (1).
Genome position (GRCh38, 1-based): chr19:10,114,427, G>A. VCF-style: chr19-10114427-G-A. GRCh37 (hg19) VCF-style: chr19-10225103-G-A.
Other names: c.814G>A, p.Val272Met (NM_002566.5); c.*573G>A (NM_001198690.2); short protein forms V272M, V692M.
Identifiers: ClinVar variation 3040285 (VCV003040285.2), dbSNP rs147142449, ClinGen allele CA9186576.
Genomic context (GRCh38, chr19:10,114,427, plus strand): 5'-AGTGGTGTGGCCCTCTACGCCAGCTCCTATGTGCCCTACCACATCATGCGGGTGCTCAAC[G>A]TGGATGCTCGGCGGCGCTGGAGCACCCGCTGCCCGAGCTTTGCAGACATAGCCCAGGCCA-3'

ClinVar aggregate classification (germline): Likely benign (0 of 4 stars; one submission).

Conditions:
PPAN-P2RY11-related disorder. Also called: PPAN-P2RY11-related condition.

Allele frequency attached by ClinVar (database versions not stated): TOPMed 0.00017; gnomAD 0.00060; gnomAD exomes 0.00097; ExAC 0.00233; 1000 Genomes Project 0.00300; 1000 Genomes Project 30x 0.00359; ESP Exome Variant Server 0.00008.
gnomAD v4.1: 1,511 of 1,611,292 alleles (0.094%); highest among the groups gnomAD compares: South Asian, 1.5%; 17 homozygotes.

Submission:

PreventionGenetics, part of Exact Sciences
Classification: Likely benign for PPAN-P2RY11-related condition. Last evaluated: 2022-05-10. Review status: no assertion criteria provided. Collection method: clinical testing. Allele origin: germline.
Comment: This variant is classified as likely benign based on ACMG/AMP sequence variant interpretation guidelines (Richards et al. 2015 PMID: 25741868, with internal and published modifications).